The following is an entry in ClinVar:

ClinVar aggregate classification (germline): Uncertain significance. Review status: criteria provided, single submitter (1 of 4 stars). 3 submissions from 3 submitters: Uncertain significance (1). 2 of the submissions do not count toward it. Last evaluated 2023-07-10.

Conditions:
Spastic paraplegia. Identifiers: MedGen C0037772, HP:0001258.

Allele frequency attached by ClinVar (database versions not stated): gnomAD 0.00001; gnomAD exomes 0.00001; TOPMed 0.00001.
gnomAD v4.1: 11 of 1,425,440 alleles (0.00077%); highest among the groups gnomAD compares: Non-Finnish European, 0.001%; no homozygotes.

Submissions (3):

Labcorp Genetics (formerly Invitae), Labcorp
Classification: Uncertain significance for Spastic paraplegia. Last evaluated: 2023-07-10. Review status: criteria provided, single submitter. Criteria: Invitae Variant Classification Sherloc (09022015). Collection method: clinical testing. Allele origin: germline.
Comment: In summary, the available evidence is currently insufficient to determine the role of this variant in disease. Therefore, it has been classified as a Variant of Uncertain Significance. This sequence change replaces alanine, which is neutral and non-polar, with serine, which is neutral and polar, at codon 343 of the GJC2 protein (p.Ala343Ser). The frequency data for this variant in the population databases is considered unreliable, as metrics indicate poor data quality at this position in the gnomAD database. This variant has not been reported in the literature in individuals affected with GJC2-related conditions. ClinVar contains an entry for this variant (Variation ID: 1206108). Advanced modeling of protein sequence and biophysical properties (such as structural, functional, and spatial information, amino acid conservation, physicochemical variation, residue mobility, and thermodynamic stability) has been performed at Invitae for this missense variant, however the output from this modeling did not meet the statistical confidence thresholds required to predict the impact of this variant on GJC2 protein function.

Genome Diagnostics Laboratory, University Medical Center Utrecht
Classification: Likely benign. Review status: no assertion criteria provided. Collection method: clinical testing. Allele origin: germline. Affected: yes. Study: VKGL Data-share Consensus. Not counted in ClinVar's aggregate classification.

Laboratory of Diagnostic Genome Analysis, Leiden University Medical Center (LUMC)
Classification: Likely benign. Review status: no assertion criteria provided. Collection method: clinical testing. Allele origin: germline. Affected: yes. Study: VKGL Data-share Consensus. Not counted in ClinVar's aggregate classification.

NM_020435.4(GJC2):c.1027G>T (p.Ala343Ser)

Gene: GJC2 (gap junction protein gamma 2; plus strand). Cytogenetic location: 1q42.13.
Variant type: single nucleotide variant.
Coding change: c.1027G>T on transcript NM_020435.4 (MANE Select); coding-DNA position 1027, G replaced by T.
Protein change: p.Ala343Ser; replaces alanine 343 with serine.
Molecular consequence: missense variant.
Genome position (GRCh38, 1-based): chr1:228,158,785, G>T. VCF-style: chr1-228158785-G-T. GRCh37 (hg19) VCF-style: chr1-228346486-G-T.
Other names: short protein forms A343S.
Identifiers: ClinVar variation 1206108 (VCV001206108.7), dbSNP rs1021631118, ClinGen allele CA38728259.